The following is an entry in ClinVar:

ClinVar aggregate classification (germline): Uncertain significance (1 of 4 stars; one submission).

gnomAD v4.1: 15 of 1,612,478 alleles (0.00093%); highest among the groups gnomAD compares: Middle Eastern, 0.017%; no homozygotes.

Submission:

Ambry Genetics
Classification: Uncertain significance. Last evaluated: 2025-08-03. Review status: criteria provided, single submitter. Criteria: Ambry Variant Classification Scheme 2023. Collection method: clinical testing. Allele origin: germline.
Comment: The p.R995W variant (also known as c.2983C>T), located in coding exon 17 of the PKP4 gene, results from a C to T substitution at nucleotide position 2983. The arginine at codon 995 is replaced by tryptophan, an amino acid with dissimilar properties. This amino acid position is conserved. In addition, this alteration is predicted to be deleterious by in silico analysis. Based on the available evidence, the clinical significance of this variant remains unclear.

NM_003628.6(PKP4):c.2983C>T (p.Arg995Trp)

Genes: PKP4 (plakophilin 4; plus strand), PKP4-AS1 (PKP4 antisense RNA 1; minus strand). Cytogenetic location: 2q24.1.
Variant type: single nucleotide variant.
Coding change: c.2983C>T on transcript NM_003628.6 (MANE Select); coding-DNA position 2983, C replaced by T.
Protein change: p.Arg995Trp; replaces arginine 995 with tryptophan.
Molecular consequence: missense variant.
Genome position (GRCh38, 1-based): chr2:158,673,735, C>T. VCF-style: chr2-158673735-C-T. GRCh37 (hg19) VCF-style: chr2-159530247-C-T.
Other names: c.2983C>T, p.Arg995Trp (NM_001005476.4, NM_001377218.1, NM_001377225.1); c.2980C>T, p.Arg994Trp (NM_001304969.3, NM_001377219.1, NM_001377220.1 and 2 more transcripts); c.1954C>T, p.Arg652Trp (NM_001304970.3); c.2977C>T, p.Arg993Trp (NM_001377222.1, NM_001377223.1); c.2974C>T, p.Arg992Trp (NM_001377224.1); short protein forms R992W, R993W, R994W, R995W, R652W.
Identifiers: ClinVar variation 4138154 (VCV004138154.1).